The following is an entry in ClinVar:

ClinVar aggregate classification (germline): Uncertain significance (0 of 4 stars; one submission).

Conditions:
Neurodevelopmental disorder with hypotonia and brain abnormalities. Identifiers: MedGen C5561977, MONDO:0859187, OMIM 619512.

Submission:

Diagnostics Centre, Carl Von Ossietzky University Oldenburg
Classification: Uncertain significance for Neurodevelopmental disorder with hypotonia and brain abnormalities. Last evaluated: 2025-05-22. Review status: no assertion criteria provided. Collection method: clinical testing. Allele origin: germline. Affected: yes. Observed: 1 variant allele.
Comment: The variant CLCN3:c.2203dup p.(Ala735Glyfs*22) results from a duplication at nucleotide position c.2203. This leads to a frameshift at protein position 735 and the formation of a premature stop codon after 22 amino acids. The variant affects an exon [12/13] present in biologically relevant transcript and is predicted to cause protein truncation/absent due to nonsense mediated decay. However, heterozygous nonsense alterations have not yet been clearly established as a disease mechanism in this gene. This variant has not yet been described in ClinVar or any other scientific publication known to us. The variant is classified as very rare since it is absent in gnomAD v4.1.0. In summary, this variant is classified as a variant of unclear significance.

NM_001829.4(CLCN3):c.2203dup (p.Ala735fs)

Gene: CLCN3 (chloride voltage-gated channel 3; plus strand). Cytogenetic location: 4q33.
Variant type: Duplication.
Coding change: c.2203dup on transcript NM_001829.4 (MANE Select); coding-DNA position 2203, one base duplicated (G; older notation c.2203dupG).
Protein change: p.Ala735fs; shifts the reading frame from alanine 735.
Molecular consequence: frameshift variant.
Genome position (GRCh38, 1-based): chr4:169,713,132, G duplicated. VCF-style (leftmost placement, unchanged base first): chr4-169713131-T-TG. GRCh37 (hg19) VCF-style: chr4-170634282-T-TG.
Other names: c.2122dup, p.Ala708fs (NM_001243372.2, NM_001243374.2); c.2203dup, p.Ala735fs (NM_173872.4); short protein forms A708fs, A735fs.
Identifiers: ClinVar variation 4530646 (VCV004530646.1).